The following is an entry in ClinVar:

NM_194248.3(OTOF):c.1432T>C (p.Trp478Arg)

Gene: OTOF (otoferlin; minus strand). Cytogenetic location: 2p23.3.
Variant type: single nucleotide variant.
Coding change: c.1432T>C on transcript NM_194248.3 (MANE Select); coding-DNA position 1432, T replaced by C.
Protein change: p.Trp478Arg; replaces tryptophan 478 with arginine.
Molecular consequence: missense variant.
Genome position (GRCh38, 1-based): chr2:26,482,553, A>G on the plus strand (T>C on the coding strand, the complement: OTOF is on the minus strand). VCF-style: chr2-26482553-A-G. GRCh37 (hg19) VCF-style: chr2-26705421-A-G.
Other names: c.1432T>C, p.Trp478Arg (NM_001287489.2); short protein forms W478R.
Identifiers: ClinVar variation 1703049 (VCV001703049.2), dbSNP rs2465272880, ClinGen allele CA346135800.

ClinVar aggregate classification (germline): Conflicting classifications of pathogenicity. Review status: no assertion criteria provided (0 of 4 stars). 2 submissions from 2 submitters: Likely pathogenic (1); VUS-high (1). Last evaluated 2026-02-04.

Conditions:
Autosomal recessive nonsyndromic hearing loss 9. Also called: Deafness, autosomal recessive 9; NEUROSENSORY NONSYNDROMIC RECESSIVE DEAFNESS 9; OTOF-Related Hearing Loss; AUDITORY NEUROPATHY, AUTOSOMAL RECESSIVE, 1, TEMPERATURE-SENSITIVE. Identifiers: Orphanet 90636, MedGen C1832828, MONDO:0010986, OMIM 601071.

Submissions (2):

Diagnosis and Treatment Center of Genetic Hearing Loss, Eye & ENT Hospital of Fudan University
Classification: VUS-high for Autosomal recessive nonsyndromic hearing loss 9. Last evaluated: 2026-02-04. Review status: no assertion criteria provided. Collection method: clinical testing. Allele origin: germline. Inheritance: Autosomal recessive inheritance. Affected: yes.
Comment: The c.1432T>C missense variant in OTOF is absent from population databases (PM2_Supporting). The REVEL score is 0.923 (PP3_Strong).

Deafness Molecular Diagnostic Center, Chinese PLA General Hospital
Classification: Likely pathogenic for Autosomal recessive nonsyndromic hearing loss 9. Review status: no assertion criteria provided. Collection method: clinical testing. Allele origin: inherited. Affected: yes.